The following is an entry in ClinVar:

ClinVar aggregate classification (germline): Uncertain significance (1 of 4 stars; one submission).

gnomAD v4.1: 10 of 1,614,196 alleles (0.00062%); highest among the groups gnomAD compares: Non-Finnish European, 0.00085%; no homozygotes.

Submission:

Labcorp Genetics (formerly Invitae), Labcorp
Classification: Uncertain significance. Last evaluated: 2019-07-02. Review status: criteria provided, single submitter. Criteria: Invitae Variant Classification Sherloc (09022015). Collection method: clinical testing. Allele origin: germline.
Comment: In summary, the available evidence is currently insufficient to determine the role of this variant in disease. Therefore, it has been classified as a Variant of Uncertain Significance. Algorithms developed to predict the effect of missense changes on protein structure and function (SIFT, PolyPhen-2, Align-GVGD) all suggest that this variant is likely to be disruptive, but these predictions have not been confirmed by published functional studies and their clinical significance is uncertain. This variant has not been reported in the literature in individuals with KRT6A-related conditions. This variant is not present in population databases (ExAC no frequency). This sequence change replaces aspartic acid with valine at codon 323 of the KRT6A protein (p.Asp323Val). The aspartic acid residue is highly conserved and there is a large physicochemical difference between aspartic acid and valine.

NM_005554.4(KRT6A):c.968A>T (p.Asp323Val)

Gene: KRT6A (keratin 6A; minus strand). Cytogenetic location: 12q13.13.
Variant type: single nucleotide variant.
Coding change: c.968A>T on transcript NM_005554.4 (MANE Select); coding-DNA position 968, A replaced by T.
Protein change: p.Asp323Val; replaces aspartic acid 323 with valine.
Molecular consequence: missense variant.
Genome position (GRCh38, 1-based): chr12:52,490,678, T>A on the plus strand (A>T on the coding strand, the complement: KRT6A is on the minus strand). VCF-style: chr12-52490678-T-A. GRCh37 (hg19) VCF-style: chr12-52884462-T-A.
Other names: short protein forms D323V.
Identifiers: ClinVar variation 950541 (VCV000950541.9), dbSNP rs1938243910, ClinGen allele CA384958245.